The following is an entry in ClinVar:

ClinVar aggregate classification (germline): Uncertain significance (1 of 4 stars; one submission).

Allele frequency attached by ClinVar (database versions not stated): gnomAD exomes below 0.00001.
gnomAD v4.1: 1 of 1,614,162 alleles (0.000062%); highest among the groups gnomAD compares: East Asian, 0.0022%; no homozygotes.

Submission:

Labcorp Genetics (formerly Invitae), Labcorp
Classification: Uncertain significance. Last evaluated: 2024-10-16. Review status: criteria provided, single submitter. Criteria: Invitae Variant Classification Sherloc (09022015). Collection method: clinical testing. Allele origin: germline.
Comment: This sequence change replaces glutamic acid, which is acidic and polar, with glycine, which is neutral and non-polar, at codon 64 of the IMPDH1 protein (p.Glu64Gly). This variant is not present in population databases (gnomAD no frequency). This variant has not been reported in the literature in individuals affected with IMPDH1-related conditions. ClinVar contains an entry for this variant (Variation ID: 1948329). An algorithm developed to predict the effect of missense changes on protein structure and function (PolyPhen-2) suggests that this variant is likely to be tolerated. In summary, the available evidence is currently insufficient to determine the role of this variant in disease. Therefore, it has been classified as a Variant of Uncertain Significance.

NM_000883.4(IMPDH1):c.191A>G (p.Glu64Gly)

Gene: IMPDH1 (inosine monophosphate dehydrogenase 1; minus strand). Cytogenetic location: 7q32.1.
Variant type: single nucleotide variant.
Coding change: c.191A>G on transcript NM_000883.4 (MANE Select); coding-DNA position 191, A replaced by G.
Protein change: p.Glu64Gly; replaces glutamic acid 64 with glycine.
Molecular consequence: missense variant. On other transcripts: intron variant (2).
Genome position (GRCh38, 1-based): chr7:128,409,352, T>C on the plus strand (A>G on the coding strand, the complement: IMPDH1 is on the minus strand). VCF-style: chr7-128409352-T-C. GRCh37 (hg19) VCF-style: chr7-128049406-T-C.
Other names: c.161A>G, p.Glu54Gly (NM_001102605.2); c.191A>G, p.Glu64Gly (NM_001142576.2); c.146+404A>G (NM_001304521.2, NM_183243.3); short protein forms E64G, E54G.
Identifiers: ClinVar variation 1948329 (VCV001948329.5), dbSNP rs2535810637, ClinGen allele CA369181007.
Genomic context (GRCh38, chr7:128,409,352, plus strand): 5'-GCCCTGCGAAGGCGATCCATCTGGACACCAACACCTGCCAGTAAGACCACTGAAGATAGT[T>C]CTAGGAGGAAACAGCTAAGGAGGGGTAAGCCAAGTCAGTCGGACAGGACTCCAGCAAGCA-3'
Protein context (NP_000874.2, residues 54-74): LATHPTTPRS[Glu64Gly]LSSVVLLAGV